The following is an entry in ClinVar:

ClinVar aggregate classification (germline): Uncertain significance (1 of 4 stars; one submission).

Conditions:
Cardiac arrhythmia. Also called: Arrhythmia; Cardiac rhythm disease. Identifiers: MedGen C0003811, MONDO:0007263, HP:0011675.

Submission:

Labcorp Genetics (formerly Invitae), Labcorp
Classification: Uncertain significance for Cardiac arrhythmia. Last evaluated: 2022-12-03. Review status: criteria provided, single submitter. Criteria: Invitae Variant Classification Sherloc (09022015). Collection method: clinical testing. Allele origin: unknown.
Comment: In summary, the available evidence is currently insufficient to determine the role of this variant in disease. Therefore, it has been classified as a Variant of Uncertain Significance. This variant has not been reported in the literature in individuals affected with RANGRF-related conditions. This variant results in a copy number gain of the genomic region encompassing exon(s) 1-2 of the RANGRF gene. This region includes the initiator codon of the gene. This copy number gain extends beyond the assayed region for this gene and therefore may encompass additional genes. As the precise location of this event is unknown, it may be in tandem or it may be located elsewhere in the genome.

NC_000017.10:g.(?_8192107)_(8192410_?)dup

Genes: RANGRF (RAN guanine nucleotide release factor; plus strand), SLC25A35 (solute carrier family 25 member 35; minus strand). Cytogenetic location: 17p13.1.
Variant type: Duplication.
Identifiers: ClinVar variation 3243112 (VCV003243112.1).